The following is an entry in ClinVar:

ClinVar aggregate classification (germline): Uncertain significance (1 of 4 stars; one submission).

Conditions:
RASopathy. Also called: rasopathies; Noonan spectrum disorder. Identifiers: Orphanet 536391, MedGen C5555857, MONDO:0021060.

Submission:

Labcorp Genetics (formerly Invitae), Labcorp
Classification: Uncertain significance for RASopathy. Last evaluated: 2021-10-26. Review status: criteria provided, single submitter. Criteria: Invitae Variant Classification Sherloc (09022015). Collection method: clinical testing. Allele origin: germline.
Comment: This sequence change falls in intron 4 of the MAP2K2 gene. It does not directly change the encoded amino acid sequence of the MAP2K2 protein. It affects a nucleotide within the consensus splice site. This variant is not present in population databases (ExAC no frequency). This variant has not been reported in the literature in individuals affected with MAP2K2-related conditions. Variants that disrupt the consensus splice site are a relatively common cause of aberrant splicing (PMID: 17576681, 9536098). Algorithms developed to predict the effect of sequence changes on RNA splicing suggest that this variant may disrupt the consensus splice site. In summary, the available evidence is currently insufficient to determine the role of this variant in disease. Therefore, it has been classified as a Variant of Uncertain Significance.

Literature cited by the submitters: PubMed 17576681; PubMed 9536098.

NM_030662.4(MAP2K2):c.528+6T>C

Gene: MAP2K2 (mitogen-activated protein kinase kinase 2; minus strand). Cytogenetic location: 19p13.3.
Variant type: single nucleotide variant.
Coding change: c.528+6T>C on transcript NM_030662.4 (MANE Select); 6 bases into the intron after coding-DNA position 528, T replaced by C.
Molecular consequence: intron variant.
Genome position (GRCh38, 1-based): chr19:4,102,370, A>G on the plus strand (T>C on the coding strand, the complement: MAP2K2 is on the minus strand). VCF-style: chr19-4102370-A-G. GRCh37 (hg19) VCF-style: chr19-4102368-A-G.
Identifiers: ClinVar variation 1389480 (VCV001389480.6), dbSNP rs2145057390, ClinGen allele CA2573155872.
Genomic context (GRCh38, chr19:4,102,370, plus strand): 5'-TGGCCGTGTGGAAGAGGTCCGTGCAGAGTGCGGTGGGGGCGCGATGTGGGTCTGCGGTGG[A>G]CTCACCGCGATGCTGACTTTCCCCAGGATCTCCTCGGGAATCCTCTTGGCCTCTTTCAGC-3'